The following is an entry in ClinVar:

ClinVar aggregate classification (germline): Uncertain significance (1 of 4 stars; one submission).

Submission:

Labcorp Genetics (formerly Invitae), Labcorp
Classification: Uncertain significance. Last evaluated: 2025-08-22. Review status: criteria provided, single submitter. Criteria: Invitae Variant Classification Sherloc (09022015). Collection method: clinical testing. Allele origin: germline.
Comment: This variant results in the deletion of part of exon 5 (c.562-9_566del) of the SLC1A2 gene. It is expected to disrupt RNA splicing. Variants that disrupt the donor or acceptor splice site typically lead to a loss of protein function (PMID: 16199547), however the current clinical and genetic evidence is not sufficient to establish whether loss-of-function variants in SLC1A2 cause disease. This variant is not present in population databases (gnomAD no frequency). This variant has not been reported in the literature in individuals affected with SLC1A2-related conditions. ClinVar contains an entry for this variant (Variation ID: 1345439). In summary, the available evidence is currently insufficient to determine the role of this variant in disease. Therefore, it has been classified as a Variant of Uncertain Significance.

Literature cited by the submitters: PubMed 16199547.

NM_004171.4(SLC1A2):c.562-9_566del

Gene: SLC1A2 (solute carrier family 1 member 2; minus strand). Cytogenetic location: 11p13.
Variant type: Deletion.
Coding change: c.562-9_566del on transcript NM_004171.4 (MANE Select); 9 bases into the intron before coding-DNA position 562 through coding-DNA position 566, 14 bases deleted (CTCTGTTAGATTCA).
Molecular consequence: splice acceptor variant.
Genome position (GRCh38, 1-based): chr11:35,306,238-35,306,251, TGAATCTAACAGAG deleted on the plus strand (CTCTGTTAGATTCA on the coding strand, the reverse complement: SLC1A2 is on the minus strand); deleting any 14 consecutive bases within chr11:35,306,238-35,306,254 gives the same sequence; the c. name uses the placement nearest the transcript's 3' end. VCF-style (leftmost placement, unchanged base first): chr11-35306237-TTGAATCTAACAGAG-T. GRCh37 (hg19) VCF-style: chr11-35327784-TTGAATCTAACAGAG-T.
Other names: c.535-9_539del (NM_001195728.3, NM_001252652.2).
Identifiers: ClinVar variation 1345439 (VCV001345439.6), dbSNP rs2134829580, ClinGen allele CA2573146300.
Genomic context (GRCh38, chr11:35,306,237, plus strand): 5'-GCTGGTTGCGTTGGCCTCCTCGTCCGGCGGTGGTGCAACCAGGACTTTCTTCGTCACTGT[TTGAATCTAACAGAG>T]TGAGGGAAAAAAGGCATAGAGCTGAGATTTGGCCTATAAGGTGAAAAAAAAAAAGATTGG-3'